The following is an entry in ClinVar:

NM_015512.5(DNAH1):c.4907A>G (p.Asn1636Ser)

Gene: DNAH1 (dynein axonemal heavy chain 1; plus strand). Cytogenetic location: 3p21.1.
Variant type: single nucleotide variant.
Coding change: c.4907A>G on transcript NM_015512.5 (MANE Select); coding-DNA position 4907, A replaced by G.
Protein change: p.Asn1636Ser; replaces asparagine 1636 with serine.
Molecular consequence: missense variant.
Genome position (GRCh38, 1-based): chr3:52,361,693, A>G. VCF-style: chr3-52361693-A-G. GRCh37 (hg19) VCF-style: chr3-52395709-A-G.
Other names: short protein forms N1636S.
Identifiers: ClinVar variation 3502955 (VCV003502955.3).

ClinVar aggregate classification (germline): Uncertain significance. Review status: criteria provided, multiple submitters, no conflicts (2 of 4 stars). 2 submissions from 2 submitters: Uncertain significance (2). Last evaluated 2024-09-08.

Conditions:
Spermatogenic failure 18. Identifiers: MedGen C4539783, MONDO:0054615, OMIM 617576.
Ciliary dyskinesia, primary, 37 (CILD37). Also called: CILIARY DYSKINESIA, PRIMARY, 37, WITH OR WITHOUT SITUS INVERSUS. Identifiers: MedGen C4539798, MONDO:0033204, OMIM 617577.

gnomAD v4.1: 16 of 1,610,964 alleles (0.00099%); highest among the groups gnomAD compares: South Asian, 0.0022%; no homozygotes.

Submissions (2):

Ambry Genetics
Classification: Uncertain significance. Last evaluated: 2024-09-08. Review status: criteria provided, single submitter. Criteria: Ambry Variant Classification Scheme 2023. Collection method: clinical testing. Allele origin: germline.

Labcorp Genetics (formerly Invitae), Labcorp
Classification: Uncertain significance for Ciliary dyskinesia, primary, 37; Spermatogenic failure 18. Last evaluated: 2024-02-27. Review status: criteria provided, single submitter. Criteria: Invitae Variant Classification Sherloc (09022015). Collection method: clinical testing. Allele origin: germline.
Comment: This sequence change replaces asparagine, which is neutral and polar, with serine, which is neutral and polar, at codon 1636 of the DNAH1 protein (p.Asn1636Ser). This variant is present in population databases (rs763319343, gnomAD 0.003%). This variant has not been reported in the literature in individuals affected with DNAH1-related conditions. Advanced modeling of protein sequence and biophysical properties (such as structural, functional, and spatial information, amino acid conservation, physicochemical variation, residue mobility, and thermodynamic stability) performed at Invitae indicates that this missense variant is expected to disrupt DNAH1 protein function with a positive predictive value of 80%. In summary, the available evidence is currently insufficient to determine the role of this variant in disease. Therefore, it has been classified as a Variant of Uncertain Significance.